The following is an entry in ClinVar:

ClinVar aggregate classification (germline): Uncertain significance (1 of 4 stars; one submission).

gnomAD v4.1: 3 of 1,614,146 alleles (0.00019%); highest among the groups gnomAD compares: Non-Finnish European, 0.00025%; no homozygotes.

Submission:

Labcorp Genetics (formerly Invitae), Labcorp
Classification: Uncertain significance. Last evaluated: 2023-07-17. Review status: criteria provided, single submitter. Criteria: Invitae Variant Classification Sherloc (09022015). Collection method: clinical testing. Allele origin: germline.
Comment: In summary, the available evidence is currently insufficient to determine the role of this variant in disease. Therefore, it has been classified as a Variant of Uncertain Significance. Advanced modeling of protein sequence and biophysical properties (such as structural, functional, and spatial information, amino acid conservation, physicochemical variation, residue mobility, and thermodynamic stability) performed at Invitae indicates that this missense variant is not expected to disrupt ANK3 protein function. ClinVar contains an entry for this variant (Variation ID: 1500633). This variant has not been reported in the literature in individuals affected with ANK3-related conditions. This variant is not present in population databases (gnomAD no frequency). This sequence change replaces arginine, which is basic and polar, with leucine, which is neutral and non-polar, at codon 1623 of the ANK3 protein (p.Arg1623Leu).

NM_020987.5(ANK3):c.4868G>T (p.Arg1623Leu)

Gene: ANK3 (ankyrin 3; minus strand). Cytogenetic location: 10q21.2.
Variant type: single nucleotide variant.
Coding change: c.4868G>T on transcript NM_020987.5 (MANE Select); coding-DNA position 4868, G replaced by T.
Protein change: p.Arg1623Leu; replaces arginine 1623 with leucine.
Molecular consequence: missense variant. On other transcripts: intron variant (4).
Genome position (GRCh38, 1-based): chr10:60,076,013, C>A on the plus strand (G>T on the coding strand, the complement: ANK3 is on the minus strand). VCF-style: chr10-60076013-C-A. GRCh37 (hg19) VCF-style: chr10-61835771-C-A.
Other names: c.4387+4524G>T (NM_001204403.2); c.4408+4524G>T (NM_001204404.2); c.4405+4524G>T (NM_001320874.2); c.1807+4524G>T (NM_001149.4); short protein forms R1623L.
Identifiers: ClinVar variation 1500633 (VCV001500633.6), dbSNP rs143606308, ClinGen allele CA377016711.